The following is an entry in ClinVar:

NM_001321967.2(ATAD1):c.163G>A (p.Ala55Thr)

Gene: ATAD1 (ATPase family AAA domain containing 1; minus strand). Cytogenetic location: 10q23.31.
Variant type: single nucleotide variant.
Coding change: c.163G>A on transcript NM_001321967.2 (MANE Select); coding-DNA position 163, G replaced by A.
Protein change: p.Ala55Thr; replaces alanine 55 with threonine.
Molecular consequence: missense variant. On other transcripts: 5 prime UTR variant (1), non-coding transcript variant (1).
Genome position (GRCh38, 1-based): chr10:87,792,755, C>T on the plus strand (G>A on the coding strand, the complement: ATAD1 is on the minus strand). VCF-style: chr10-87792755-C-T. GRCh37 (hg19) VCF-style: chr10-89552512-C-T.
Other names: c.163G>A (NM_032810.2); c.163G>A, p.Ala55Thr (NM_001321968.2, NM_032810.4); c.-285G>A (NM_001321969.2); short protein forms A55T.
Identifiers: ClinVar variation 1381375 (VCV001381375.7), dbSNP rs1327240548, ClinGen allele CA377492498.

ClinVar aggregate classification (germline): Uncertain significance. Review status: criteria provided, multiple submitters, no conflicts (2 of 4 stars). 2 submissions from 2 submitters: Uncertain significance (2). Last evaluated 2024-06-07.

Conditions:
Inborn genetic diseases. Identifiers: MedGen C0950123, MeSH D030342.

Allele frequency attached by ClinVar (database versions not stated): gnomAD 0.00001; TOPMed 0.00001.
gnomAD v4.1: 2 of 1,611,902 alleles (0.00012%); highest among the groups gnomAD compares: Non-Finnish European, 0.00017%; no homozygotes.

Submissions (2):

Ambry Genetics
Classification: Uncertain significance for Inborn genetic diseases. Last evaluated: 2024-06-07. Review status: criteria provided, single submitter. Criteria: Ambry Variant Classification Scheme 2023. Collection method: clinical testing. Allele origin: germline.

Labcorp Genetics (formerly Invitae), Labcorp
Classification: Uncertain significance. Last evaluated: 2022-06-20. Review status: criteria provided, single submitter. Criteria: Invitae Variant Classification Sherloc (09022015). Collection method: clinical testing. Allele origin: germline.
Comment: Algorithms developed to predict the effect of missense changes on protein structure and function are either unavailable or do not agree on the potential impact of this missense change (SIFT: "Not Available"; PolyPhen-2: "Probably Damaging"; Align-GVGD: "Not Available"). In summary, the available evidence is currently insufficient to determine the role of this variant in disease. Therefore, it has been classified as a Variant of Uncertain Significance. This variant has not been reported in the literature in individuals affected with ATAD1-related conditions. This variant is not present in population databases (gnomAD no frequency). This sequence change replaces alanine with threonine at codon 55 of the ATAD1 protein (p.Ala55Thr). The alanine residue is highly conserved and there is a small physicochemical difference between alanine and threonine.